The following is an entry in ClinVar:

ClinVar aggregate classification (germline): Pathogenic/Likely pathogenic. Review status: criteria provided, multiple submitters, no conflicts (2 of 4 stars). 3 submissions from 3 submitters: Pathogenic (1); Likely pathogenic (1). 1 of the submissions does not count toward it. Last evaluated 2023-03-20.

Conditions:
Inborn genetic diseases. Identifiers: MedGen C0950123, MeSH D030342.
Adenylosuccinate lyase deficiency (ADSLD). Also called: ADSL DEFICIENCY. Identifiers: Orphanet 46, MedGen C0268126, MONDO:0007068, OMIM 103050.

Allele frequency attached by ClinVar (database versions not stated): gnomAD exomes 0.00001; TOPMed 0.00001; gnomAD 0.00002.
gnomAD v4.1: 12 of 1,565,074 alleles (0.00077%); highest among the groups gnomAD compares: Non-Finnish European, 0.00086%; no homozygotes.

Submissions (3):

Labcorp Genetics (formerly Invitae), Labcorp
Classification: Pathogenic for Adenylosuccinate lyase deficiency. Last evaluated: 2023-03-20. Review status: criteria provided, single submitter. Criteria: Invitae Variant Classification Sherloc (09022015). Collection method: clinical testing. Allele origin: germline.
Comment: For these reasons, this variant has been classified as Pathogenic. Studies have shown that this variant alters ADSL gene expression (PMID: 12016589, 25910213). ClinVar contains an entry for this variant (Variation ID: 985789). This variant has been observed in individual(s) with adenylosuccinate lyase deficiency (PMID: 10958654, 12016589, 23937257). This variant is present in population databases (no rsID available, gnomAD 0.001%). This variant occurs in a non-coding region of the ADSL gene. It does not change the encoded amino acid sequence of the ADSL protein.

Ambry Genetics
Classification: Likely pathogenic for Inborn genetic diseases. Last evaluated: 2017-12-01. Review status: criteria provided, single submitter. Criteria: Ambry exome assertion method (8-5-2015). Collection method: clinical testing. Allele origin: germline. Affected: yes. Observed: 1 variant allele.

OMIM
Classification: Pathogenic for ADENYLOSUCCINASE DEFICIENCY. Last evaluated: 2002-07-01. Review status: no assertion criteria provided. Collection method: literature only. Allele origin: germline. Not counted in ClinVar's aggregate classification.

Literature cited by the submitters: PubMed 12016589 (cited by 3 submitters); PubMed 25910213 (cited by Labcorp Genetics (formerly Invitae), Labcorp); PubMed 10958654 (cited by Labcorp Genetics (formerly Invitae), Labcorp and Ambry Genetics); PubMed 23937257 (cited by Labcorp Genetics (formerly Invitae), Labcorp and Ambry Genetics).

NM_000026.4(ADSL):c.-49T>C

Gene: ADSL (adenylosuccinate lyase; plus strand). Cytogenetic location: 22q13.1.
Variant type: single nucleotide variant.
Coding change: c.-49T>C on transcript NM_000026.4 (MANE Select); 49 bases upstream of the start codon, T replaced by C.
Molecular consequence: 5 prime UTR variant. On other transcripts: non-coding transcript variant (1).
Genome position (GRCh38, 1-based): chr22:40,346,510, T>C. VCF-style: chr22-40346510-T-C. GRCh37 (hg19) VCF-style: chr22-40742514-T-C.
Other names: -49T-C, PROMOTER; c.-49T>C (NM_001123378.3, NM_001363840.3); c.-186T>C (NM_001317923.2).
Identifiers: ClinVar variation 985789 (VCV000985789.7), dbSNP rs1272053459, ClinGen allele CA639408341.